The following is an entry in ClinVar:

NM_002772.3(TMPRSS15):c.1012G>T (p.Glu338Ter)

Gene: TMPRSS15 (transmembrane serine protease 15; minus strand). Cytogenetic location: 21q21.1.
Variant type: single nucleotide variant.
Coding change: c.1012G>T on transcript NM_002772.3 (MANE Select); coding-DNA position 1012, G replaced by T.
Protein change: p.Glu338Ter; replaces glutamic acid 338 with a stop codon.
Molecular consequence: nonsense.
Genome position (GRCh38, 1-based): chr21:18,353,732, C>A on the plus strand (G>T on the coding strand, the complement: TMPRSS15 is on the minus strand). VCF-style: chr21-18353732-C-A. GRCh37 (hg19) VCF-style: chr21-19726049-C-A.
Other names: short protein forms E338*.
Identifiers: ClinVar variation 2034097 (VCV002034097.4), dbSNP rs1372720610, ClinGen allele CA409851586.
Genomic context (GRCh38, chr21:18,353,732, plus strand): 5'-TAACATTAAAGCATCTAAAAATTAAAAAGCCAAAAAATAAATAATACTTACTATTAAGCT[C>A]ACTGCTGTTAAATGCAGTATATGTTGCATTAAAGCCAACATAATCACTTTCATCAGATTC-3'

ClinVar aggregate classification (germline): Pathogenic (1 of 4 stars; one submission).

Submission:

Labcorp Genetics (formerly Invitae), Labcorp
Classification: Pathogenic. Last evaluated: 2022-10-04. Review status: criteria provided, single submitter. Criteria: Invitae Variant Classification Sherloc (09022015). Collection method: clinical testing. Allele origin: germline.
Comment: This variant has not been reported in the literature in individuals affected with TMPRSS15-related conditions. For these reasons, this variant has been classified as Pathogenic. This variant is not present in population databases (gnomAD no frequency). This sequence change creates a premature translational stop signal (p.Glu338*) in the TMPRSS15 gene. It is expected to result in an absent or disrupted protein product. Loss-of-function variants in TMPRSS15 are known to be pathogenic (PMID: 11719902).

Literature cited by the submitters: PubMed 11719902.